The following is an entry in ClinVar:

ClinVar aggregate classification (germline): Uncertain significance (1 of 4 stars; one submission).

Conditions:
Familial thoracic aortic aneurysm and aortic dissection (TAAD). Also called: Thoracic aortic aneurysms and dissections. Identifiers: Orphanet 91387, MedGen C4707243, MONDO:0019625.

Submission:

Ambry Genetics
Classification: Uncertain significance for Familial thoracic aortic aneurysm and aortic dissection. Last evaluated: 2023-05-12. Review status: criteria provided, single submitter. Criteria: Ambry Variant Classification Scheme 2023. Collection method: clinical testing. Allele origin: germline.
Comment: The p.I427N variant (also known as c.1280T>A), located in coding exon 11 of the PRKG1 gene, results from a T to A substitution at nucleotide position 1280. The isoleucine at codon 427 is replaced by asparagine, an amino acid with dissimilar properties. This amino acid position is conserved. In addition, this alteration is predicted to be deleterious by in silico analysis. Since supporting evidence is limited at this time, the clinical significance of this alteration remains unclear.

NM_006258.4(PRKG1):c.1280T>A (p.Ile427Asn)

Gene: PRKG1 (protein kinase cGMP-dependent 1; plus strand). Cytogenetic location: 10q21.1.
Variant type: single nucleotide variant.
Coding change: c.1280T>A on transcript NM_006258.4 (MANE Select); coding-DNA position 1280, T replaced by A.
Protein change: p.Ile427Asn; replaces isoleucine 427 with asparagine.
Molecular consequence: missense variant.
Genome position (GRCh38, 1-based): chr10:52,271,456, T>A. VCF-style: chr10-52271456-T-A. GRCh37 (hg19) VCF-style: chr10-54031216-T-A.
Other names: c.1235T>A, p.Ile412Asn (NM_001098512.3); c.71T>A, p.Ile24Asn (NM_001374781.1); short protein forms I24N, I427N, I412N.
Identifiers: ClinVar variation 2565420 (VCV002565420.2), dbSNP rs2492830403, ClinGen allele CA376535408.